The following is an entry in ClinVar:

ClinVar aggregate classification (germline): Uncertain significance (1 of 4 stars; one submission).

Conditions:
Lynch syndrome. Identifiers: Orphanet 144, MedGen C4552100, MONDO:0005835. Disease mechanism: loss of function.

Submission:

Labcorp Genetics (formerly Invitae), Labcorp
Classification: Uncertain significance for Lynch syndrome. Last evaluated: 2015-05-14. Review status: criteria provided, single submitter. Criteria: Invitae Variant Classification Sherloc (09022015). Collection method: clinical testing. Allele origin: germline.
Comment: This variant is a gross duplication of the genomic region encompassing at least exons 1-11 of the PMS2 gene. The 5' and 3' ends of this event are unknown as it extends to both edges of the assayed region; we do not assay exons 12-15 of this gene; the event may represent a whole gene duplication. While the exact position of the duplicated exons cannot be determined from this data, it may occur in tandem and result in an absent or disrupted protein product. This variant has not been published in the literature and is not present in population databases. A duplication encompassing at least exons 1-12 of the PMS2 gene has been reported in a patient diagnosed with colorectal cancer (CRC) and found to have high levels of microsatellite instability (MSI) and loss of PMS2 protein in the tumor (PMID: 22120844). In summary, this is a rare multi-exonic duplication with uncertain impact on PMS2 protein function. It has been classified as a Variant of Uncertain Significance.

NM_000535.6(PMS2):c.(?_-1)_2006+?dup

Genes: PMS2 (PMS1 homolog 2, mismatch repair system component; minus strand), LOC129997916 (ATAC-STARR-seq lymphoblastoid active region 25614; plus strand). Cytogenetic location: 7p22.1.
Variant type: Duplication.
Other names: c.(?_-1)_2006+?dup (LRG_161t1).
Identifiers: ClinVar variation 216447 (VCV000216447.1).